The following is an entry in ClinVar:

ClinVar aggregate classification (germline): Uncertain significance (0 of 4 stars; one submission).

Conditions:
IRS2-related disorder. Also called: IRS2-related condition.

Submission:

PreventionGenetics, part of Exact Sciences
Classification: Uncertain significance for IRS2-related condition. Last evaluated: 2023-10-20. Review status: no assertion criteria provided. Collection method: clinical testing. Allele origin: germline.
Comment: The IRS2 c.103G>T variant is predicted to result in the amino acid substitution p.Gly35Cys. To our knowledge, this variant has not been reported in the literature or in a large population database, indicating this variant is rare. At this time, the clinical significance of this variant is uncertain due to the absence of conclusive functional and genetic evidence.

NM_003749.3(IRS2):c.103G>T (p.Gly35Cys)

Gene: IRS2 (insulin receptor substrate 2; minus strand). Cytogenetic location: 13q34.
Variant type: single nucleotide variant.
Coding change: c.103G>T on transcript NM_003749.3 (MANE Select); coding-DNA position 103, G replaced by T.
Protein change: p.Gly35Cys; replaces glycine 35 with cysteine.
Molecular consequence: missense variant.
Genome position (GRCh38, 1-based): chr13:109,785,951, C>A on the plus strand (G>T on the coding strand, the complement: IRS2 is on the minus strand). VCF-style: chr13-109785951-C-A. GRCh37 (hg19) VCF-style: chr13-110438298-C-A.
Other names: short protein forms G35C.
Identifiers: ClinVar variation 3033467 (VCV003033467.2), dbSNP rs2501619444, ClinGen allele CA388663787.
Genomic context (GRCh38, chr13:109,785,951, plus strand): 5'-CGCCGGGTCCGCGCAGCACGAAGAAGCGCTTGTGGCCATGCTTCTGCTTGCGCAGGTAGC[C>A]GCACTTGCGCACGCTGTGGTTGTTGTTGTTGTTGTTGTTGTTGAGGTTGGGGCCGTCTCC-3'
Protein context (NP_003740.2, residues 25-45): NNNNHSVRKC[Gly35Cys]YLRKQKHGHK